The following is an entry in ClinVar:

ClinVar aggregate classification (germline): Benign/Likely benign. Review status: criteria provided, multiple submitters, no conflicts (2 of 4 stars). 5 submissions from 5 submitters: Benign (3); Likely benign (1). 1 of the submissions does not count toward it. Last evaluated 2024-11-26.

Allele frequency attached by ClinVar (database versions not stated): 1000 Genomes Project 30x 0.00781; 1000 Genomes Project 0.00819; TOPMed 0.01323; gnomAD exomes 0.01543; gnomAD 0.01579 and 0.01605; ESP Exome Variant Server 0.01646; ExAC 0.02436.

Submissions (5):

Blueprint Genetics
Classification: Likely benign. Last evaluated: 2024-11-26. Review status: criteria provided, single submitter. Criteria: ACMG Guidelines, 2015. Collection method: clinical testing. Allele origin: germline.

GeneDx
Classification: Benign. Last evaluated: 2021-10-14. Review status: criteria provided, single submitter. Criteria: GeneDx Variant Classification Process June 2021. Collection method: clinical testing. Allele origin: germline. Affected: yes.

Breakthrough Genomics
Classification: Benign. Review status: criteria provided, single submitter. Criteria: ACMG Guidelines, 2015. Collection method: not provided. Allele origin: germline. Inheritance: Autosomal recessive inheritance. Affected: yes.

PreventionGenetics, part of Exact Sciences
Classification: Benign. Review status: criteria provided, single submitter. Criteria: ACMG Guidelines, 2015. Collection method: clinical testing. Allele origin: germline.

Genetic Services Laboratory, University of Chicago
Classification: Likely benign for AllHighlyPenetrant. Review status: no assertion criteria provided. Collection method: clinical testing. Allele origin: germline. Inheritance: Autosomal recessive inheritance. Not counted in ClinVar's aggregate classification.
Comment: Likely benign based on allele frequency in 1000 Genomes Project or ESP global frequency and its presence in a patient with a rare or unrelated disease phenotype. NOT Sanger confirmed.

NM_004826.4(ECEL1):c.1995C>T (p.Asn665=)

Gene: ECEL1 (endothelin converting enzyme like 1; minus strand). Cytogenetic location: 2q37.1.
Variant type: single nucleotide variant.
Coding change: c.1995C>T on transcript NM_004826.4 (MANE Select); coding-DNA position 1995, C replaced by T.
Protein change: p.Asn665=; no amino-acid change (asparagine 665 retained).
Molecular consequence: synonymous variant.
Genome position (GRCh38, 1-based): chr2:232,481,151, G>A on the plus strand (C>T on the coding strand, the complement: ECEL1 is on the minus strand). VCF-style: chr2-232481151-G-A. GRCh37 (hg19) VCF-style: chr2-233345861-G-A.
Other names: c.1989C>T, p.Asn663= (NM_001290787.2).
Identifiers: ClinVar variation 128953 (VCV000128953.14), dbSNP rs61731716, ClinGen allele CA152676.